The following is an entry in ClinVar:

ClinVar aggregate classification (germline): Uncertain significance (1 of 4 stars; one submission).

Conditions:
Capillary malformation-arteriovenous malformation syndrome. Also called: Capillary malformation-arteriovenous malformation. Identifiers: Orphanet 137667, MedGen C1842180, MONDO:0012016.

Submission:

Labcorp Genetics (formerly Invitae), Labcorp
Classification: Uncertain significance for Capillary malformation-arteriovenous malformation syndrome. Last evaluated: 2023-03-13. Review status: criteria provided, single submitter. Criteria: Invitae Variant Classification Sherloc (09022015). Collection method: clinical testing. Allele origin: germline.
Comment: In summary, the available evidence is currently insufficient to determine the role of this variant in disease. Therefore, it has been classified as a Variant of Uncertain Significance. Algorithms developed to predict the effect of missense changes on protein structure and function output the following: SIFT: "Not Available"; PolyPhen-2: "Benign"; Align-GVGD: "Not Available". The alanine amino acid residue is found in multiple mammalian species, which suggests that this missense change does not adversely affect protein function. This variant has not been reported in the literature in individuals affected with RASA1-related conditions. This variant is not present in population databases (gnomAD no frequency). This sequence change replaces threonine, which is neutral and polar, with alanine, which is neutral and non-polar, at codon 887 of the RASA1 protein (p.Thr887Ala).

NM_002890.3(RASA1):c.2659A>G (p.Thr887Ala)

Genes: CCNH (cyclin H; minus strand), RASA1 (RAS p21 protein activator 1; plus strand). Cytogenetic location: 5q14.3.
Variant type: single nucleotide variant.
Coding change: c.2659A>G on transcript NM_002890.3 (MANE Select); coding-DNA position 2659, A replaced by G.
Protein change: p.Thr887Ala; replaces threonine 887 with alanine.
Molecular consequence: missense variant. On other transcripts: intron variant (1).
Genome position (GRCh38, 1-based): chr5:87,380,564, A>G. VCF-style: chr5-87380564-A-G. GRCh37 (hg19) VCF-style: chr5-86676381-A-G.
Other names: c.2128A>G, p.Thr710Ala (NM_022650.3); c.933+14480T>C (NM_001364075.2); short protein forms T887A, T710A.
Identifiers: ClinVar variation 2841787 (VCV002841787.3), dbSNP rs2531363119, ClinGen allele CA360384919.